The following is an entry in ClinVar:

NM_134261.3(RORA):c.1151A>G (p.Lys384Arg)

Genes: RORA (RAR related orphan receptor A; minus strand), RORA-AS1 (RORA antisense RNA 1; plus strand). Cytogenetic location: 15q22.2.
Variant type: single nucleotide variant.
Coding change: c.1151A>G on transcript NM_134261.3 (MANE Select); coding-DNA position 1151, A replaced by G.
Protein change: p.Lys384Arg; replaces lysine 384 with arginine.
Molecular consequence: missense variant.
Genome position (GRCh38, 1-based): chr15:60,502,792, T>C on the plus strand (A>G on the coding strand, the complement: RORA is on the minus strand). VCF-style: chr15-60502792-T-C. GRCh37 (hg19) VCF-style: chr15-60794991-T-C.
Other names: c.1226A>G, p.Lys409Arg (NM_002943.4); c.1250A>G, p.Lys417Arg (NM_134260.3); c.986A>G, p.Lys329Arg (NM_134262.3); short protein forms K329R, K384R, K409R, K417R.
Identifiers: ClinVar variation 3376139 (VCV003376139.3).

ClinVar aggregate classification (germline): Uncertain significance (1 of 4 stars; one submission).

Conditions:
Intellectual developmental disorder with or without epilepsy or cerebellar ataxia. Identifiers: MedGen C4748041, MONDO:0060745, OMIM 618060.

Submission:

Institute of Human Genetics, University of Leipzig Medical Center
Classification: Uncertain significance for Intellectual developmental disorder with or without epilepsy or cerebellar ataxia. Last evaluated: 2024-10-24. Review status: criteria provided, single submitter. Criteria: ACMG Guidelines, 2015. Collection method: clinical testing. Allele origin: unknown. Inheritance: Autosomal dominant inheritance. Affected: yes.
Comment: Criteria applied: PM2,PP2,PP3